The following is an entry in ClinVar:

NM_001659.3(ARF3):c.59T>C (p.Ile20Thr)

Gene: ARF3 (ARF GTPase 3; minus strand). Cytogenetic location: 12q13.12.
Variant type: single nucleotide variant.
Coding change: c.59T>C on transcript NM_001659.3 (MANE Select); coding-DNA position 59, T replaced by C.
Protein change: p.Ile20Thr; replaces isoleucine 20 with threonine.
Molecular consequence: missense variant.
Genome position (GRCh38, 1-based): chr12:48,941,037, A>G on the plus strand (T>C on the coding strand, the complement: ARF3 is on the minus strand). VCF-style: chr12-48941037-A-G. GRCh37 (hg19) VCF-style: chr12-49334820-A-G.
Other names: c.59T>C, p.Ile20Thr (NM_001412914.1, NM_001412915.1, NM_001412916.1 and 7 more transcripts); short protein forms I20T.
Identifiers: ClinVar variation 3368777 (VCV003368777.1).

ClinVar aggregate classification (germline): Uncertain significance (1 of 4 stars; one submission).

Submission:

GeneDx
Classification: Uncertain significance. Last evaluated: 2024-02-04. Review status: criteria provided, single submitter. Criteria: GeneDx Variant Classification Process June 2021. Collection method: clinical testing. Allele origin: germline. Affected: yes.
Comment: Not observed at significant frequency in large population cohorts (gnomAD); In silico analysis supports that this missense variant has a deleterious effect on protein structure/function; Has not been previously published as pathogenic or benign to our knowledge